The following is an entry in ClinVar:

ClinVar aggregate classification (germline): Pathogenic. Review status: criteria provided, multiple submitters, no conflicts (2 of 4 stars). 5 submissions from 5 submitters: Pathogenic (3). 2 of the submissions do not count toward it. Last evaluated 2023-06-02.

Conditions:
Epidermolysis bullosa, junctional 3B, severe. Also called: EPIDERMOLYSIS BULLOSA, JUNCTIONAL 3B, GENERALIZED SEVERE; EPIDERMOLYSIS BULLOSA, JUNCTIONAL 3B, HERLITZ TYPE. Identifiers: MedGen C5676939, MONDO:0030749, OMIM 619786.
Junctional epidermolysis bullosa gravis of Herlitz. Also called: EPIDERMOLYSIS BULLOSA JUNCTIONALIS, HERLITZ TYPE; EPIDERMOLYSIS BULLOSA, JUNCTIONAL, HERLITZ-PEARSON TYPE; Epidermolysis Bullosa Letalis; JEB-HERLITZ TYPE; Herlitz-type junctional epidermolysis bullosa; EPIDERMOLYSIS BULLOSA, JUNCTIONAL 1B, SEVERE. Identifiers: Orphanet 79404, MedGen C0079683, MONDO:0009182, OMIM 226700.

Allele frequency attached by ClinVar (database versions not stated): gnomAD exomes below 0.00001; TOPMed below 0.00001; ExAC 0.00001.
gnomAD v4.1: 7 of 1,613,958 alleles (0.00043%); highest among the groups gnomAD compares: South Asian, 0.0011%; no homozygotes.

Submissions (5):

Labcorp Genetics (formerly Invitae), Labcorp
Classification: Pathogenic. Last evaluated: 2023-06-02. Review status: criteria provided, single submitter. Criteria: Invitae Variant Classification Sherloc (09022015). Collection method: clinical testing. Allele origin: germline.
Comment: ClinVar contains an entry for this variant (Variation ID: 14555). This premature translational stop signal has been observed in individual(s) with junctional epidermolysis bullosa (PMID: 8012394). This variant is present in population databases (rs80356683, gnomAD 0.003%). This sequence change creates a premature translational stop signal (p.Arg95*) in the LAMC2 gene. It is expected to result in an absent or disrupted protein product. Loss-of-function variants in LAMC2 are known to be pathogenic (PMID: 11907499, 16473856). For these reasons, this variant has been classified as Pathogenic.

Victorian Clinical Genetics Services, Murdoch Childrens Research Institute
Classification: Pathogenic for Epidermolysis bullosa, junctional 3B, severe. Last evaluated: 2022-06-24. Review status: criteria provided, single submitter. Criteria: ACMG Guidelines, 2015. Collection method: clinical testing. Allele origin: germline. Inheritance: Autosomal recessive inheritance.
Comment: Based on the classification scheme VCGS_Germline_v1.3.4, this variant is classified as pathogenic. The following criteria are met: 0102 - Loss of function is a known mechanism of disease in this gene and is associated with Herlitz junctional epidermolysis bullosa (MIM#226700) and non-Herlitz junctional epidermolysis bullosa (MIM#226650). (I) 0106 - This gene is associated with autosomal recessive disease. (I) 0201 - Variant is predicted to cause nonsense-mediated decay (NMD) and loss of protein (premature termination codon is located at least 54 nucleotides upstream of the final exon-exon junction). (SP) 0251 - This variant is heterozygous. (I) 0304 - Variant is present in gnomAD (v2) <0.01 for a recessive condition (1 heterozygote, 0 homozygotes). (SP) 0701 - Other NMD predicted variants comparable to the one identified in this case have very strong previous evidence for pathogenicity (ClinVar). (SP) 0801 - This variant has strong previous evidence of pathogenicity in unrelated individuals. This variant has been reported as a recurrent variant in patients with junctional epidermolysis bullosa, including in the homozygous state in at least two patient with Herlitz junctional epidermolysis bullosa (ClinVar, PMID: 17916201). (SP) Legend: (SP) - Supporting pathogenic, (I) - Information, (SB) - Supporting benign

Myriad Genetics, Inc.
Classification: Pathogenic for Junctional epidermolysis bullosa gravis of Herlitz. Last evaluated: 2019-11-11. Review status: criteria provided, single submitter. Criteria: Myriad Women's Health Autosomal Recessive and X-Linked Classification Criteria (2019). Collection method: clinical testing. Allele origin: unknown.
Comment: NM_005562.2(LAMC2):c.283C>T(R95*) is classified as pathogenic in the context of LAMC2-related junctional epidermolysis bullosa. Sources cited for classification include the following: PMID 17916201, 9085255, 15373767, 8012394 and 8983017. Classification of NM_005562.2(LAMC2):c.283C>T(R95*) is based on the following criteria: The variant causes a premature termination codon that is expected to be targeted by nonsense-mediated mRNA decay and is reported in individuals with the relevant phenotype. Please note: this variant was assessed in the context of healthy population screening.

OMIM
Classification: Pathogenic for EPIDERMOLYSIS BULLOSA, JUNCTIONAL 3B, SEVERE. Last evaluated: 2022-03-29. Review status: no assertion criteria provided. Collection method: literature only. Allele origin: germline. Not counted in ClinVar's aggregate classification.

GeneReviews
No classification provided. Condition: Junctional epidermolysis bullosa gravis of Herlitz. Review status: no classification provided. Collection method: literature only. Allele origin: unknown. Not counted in ClinVar's aggregate classification.

Literature cited by the submitters: PubMed 8012394 (cited by 3 submitters); PubMed 11907499 (cited by Labcorp Genetics (formerly Invitae), Labcorp); PubMed 16473856 (cited by Labcorp Genetics (formerly Invitae), Labcorp); PubMed 17916201 (cited by Victorian Clinical Genetics Services, Murdoch Childrens Research Institute and Myriad Genetics, Inc.); PubMed 9085255 (cited by Myriad Genetics, Inc.); PubMed 15373767 (cited by Myriad Genetics, Inc.); PubMed 8983017 (cited by Myriad Genetics, Inc.); PubMed 8012114 (cited by OMIM); PubMed 20301304 (cited by GeneReviews); NCBI Bookshelf NBK1125 (cited by GeneReviews).

NM_005562.3(LAMC2):c.283C>T (p.Arg95Ter)

Gene: LAMC2 (laminin subunit gamma 2; plus strand). Cytogenetic location: 1q25.3.
Variant type: single nucleotide variant.
Coding change: c.283C>T on transcript NM_005562.3 (MANE Select); coding-DNA position 283, C replaced by T.
Protein change: p.Arg95Ter; replaces arginine 95 with a stop codon.
Molecular consequence: nonsense.
Genome position (GRCh38, 1-based): chr1:183,215,467, C>T. VCF-style: chr1-183215467-C-T. GRCh37 (hg19) VCF-style: chr1-183184602-C-T.
Other names: c.283C>T, p.Arg95Ter (NM_018891.3); short protein forms R95*.
Identifiers: ClinVar variation 14555 (VCV000014555.18), dbSNP rs80356683, ClinGen allele CA341331.